The following is an entry in ClinVar:

NM_000321.3(RB1):c.751C>G (p.Arg251Gly)

Gene: RB1 (RB transcriptional corepressor 1; plus strand). Cytogenetic location: 13q14.2.
Variant type: single nucleotide variant.
Coding change: c.751C>G on transcript NM_000321.3 (MANE Select); coding-DNA position 751, C replaced by G.
Protein change: p.Arg251Gly; replaces arginine 251 with glycine.
Molecular consequence: missense variant.
Genome position (GRCh38, 1-based): chr13:48,362,847, C>G. VCF-style: chr13-48362847-C-G. GRCh37 (hg19) VCF-style: chr13-48936983-C-G.
Other names: c.751C>G, p.Arg251Gly (NM_001407165.1, NM_001407166.1); short protein forms R251G.
Identifiers: ClinVar variation 1759319 (VCV001759319.7), dbSNP rs1131690863, ClinGen allele CA388159321.

ClinVar aggregate classification (germline): Uncertain significance. Review status: criteria provided, multiple submitters, no conflicts (2 of 4 stars). 3 submissions from 3 submitters: Uncertain significance (3). Last evaluated 2025-04-22.

Conditions:
Hereditary cancer-predisposing syndrome. Also called: Neoplastic Syndromes, Hereditary; Tumor predisposition; Hereditary Cancer Syndrome; Hereditary neoplastic syndrome. Identifiers: Orphanet 140162, MedGen C0027672, MeSH D009386, MONDO:0015356.
Retinoblastoma (RB1). Also called: RETINOBLASTOMA, SOMATIC. Identifiers: Orphanet 790, MedGen C0035335, MeSH D012175, MONDO:0008380, OMIM 180200, HP:0009919. Disease mechanism: loss of function. Inheritance: Both sporadic and heritable forms are tested..

Submissions (3):

GeneDx
Classification: Uncertain significance. Last evaluated: 2025-04-22. Review status: criteria provided, single submitter. Criteria: GeneDx Variant Classification Process June 2021. Collection method: clinical testing. Allele origin: germline. Affected: yes.
Comment: Not observed at significant frequency in large population cohorts (gnomAD); In silico analysis supports that this missense variant has a deleterious effect on protein structure/function; Has not been previously published as pathogenic or benign to our knowledge; This variant is associated with the following publications: (PMID: 23516486)

Ambry Genetics
Classification: Uncertain significance for Hereditary cancer-predisposing syndrome. Last evaluated: 2024-03-31. Review status: criteria provided, single submitter. Criteria: Ambry Variant Classification Scheme 2023. Collection method: clinical testing. Allele origin: germline.
Comment: The p.R251G variant (also known as c.751C>G), located in coding exon 8 of the RB1 gene, results from a C to G substitution at nucleotide position 751. The arginine at codon 251 is replaced by glycine, an amino acid with dissimilar properties. This amino acid position is conserved. In addition, this alteration is predicted to be deleterious by in silico analysis. Since supporting evidence is limited at this time, the clinical significance of this alteration remains unclear.

Labcorp Genetics (formerly Invitae), Labcorp
Classification: Uncertain significance for Retinoblastoma. Last evaluated: 2023-08-25. Review status: criteria provided, single submitter. Criteria: Invitae Variant Classification Sherloc (09022015). Collection method: clinical testing. Allele origin: germline.
Comment: In summary, the available evidence is currently insufficient to determine the role of this variant in disease. Therefore, it has been classified as a Variant of Uncertain Significance. Advanced modeling of protein sequence and biophysical properties (such as structural, functional, and spatial information, amino acid conservation, physicochemical variation, residue mobility, and thermodynamic stability) performed at Invitae indicates that this missense variant is not expected to disrupt RB1 protein function. ClinVar contains an entry for this variant (Variation ID: 1759319). This variant has not been reported in the literature in individuals affected with RB1-related conditions. This variant is not present in population databases (gnomAD no frequency). This sequence change replaces arginine, which is basic and polar, with glycine, which is neutral and non-polar, at codon 251 of the RB1 protein (p.Arg251Gly).